The following is an entry in ClinVar:

ClinVar aggregate classification (germline): Conflicting classifications of pathogenicity. Review status: criteria provided, conflicting classifications (1 of 4 stars). 2 submissions from 2 submitters: Likely pathogenic (1); Uncertain significance (1). Last evaluated 2024-08-15.

Conditions:
Spastic paraplegia. Identifiers: MedGen C0037772, HP:0001258.
Hereditary spastic paraplegia 46. Also called: Spastic paraplegia 46, autosomal recessive. Identifiers: Orphanet 320391, MedGen C2828721, MONDO:0013737, OMIM 614409.

Submissions (2):

Laboratorio de Genetica e Diagnostico Molecular, Hospital Israelita Albert Einstein
Classification: Uncertain significance for Hereditary spastic paraplegia 46. Last evaluated: 2024-08-15. Review status: criteria provided, single submitter. Criteria: ACMG Guidelines, 2015. Collection method: clinical testing. Allele origin: germline. Affected: yes.
Comment: ACMG classification criteria: PM2 supporting, PM3 supporting, PP3 supporting

Labcorp Genetics (formerly Invitae), Labcorp
Classification: Likely pathogenic for Spastic paraplegia. Last evaluated: 2024-04-19. Review status: criteria provided, single submitter. Criteria: Invitae Variant Classification Sherloc (09022015). Collection method: clinical testing. Allele origin: germline.
Comment: This sequence change replaces tryptophan, which is neutral and slightly polar, with cysteine, which is neutral and slightly polar, at codon 455 of the GBA2 protein (p.Trp455Cys). This variant is present in population databases (no rsID available, gnomAD 0.0009%). This missense change has been observed in individuals with hereditary spastic paraplegia (PMID: 33956305, 34782662). Advanced modeling of protein sequence and biophysical properties (such as structural, functional, and spatial information, amino acid conservation, physicochemical variation, residue mobility, and thermodynamic stability) performed at Invitae indicates that this missense variant is expected to disrupt GBA2 protein function with a positive predictive value of 80%. In summary, the currently available evidence indicates that the variant is pathogenic, but additional data are needed to prove that conclusively. Therefore, this variant has been classified as Likely Pathogenic.

Literature cited by the submitters: PubMed 33956305 (cited by Labcorp Genetics (formerly Invitae), Labcorp); PubMed 34782662 (cited by Labcorp Genetics (formerly Invitae), Labcorp).

NM_020944.3(GBA2):c.1365G>C (p.Trp455Cys)

Gene: GBA2 (glucosylceramidase beta 2; minus strand). Cytogenetic location: 9p13.3.
Variant type: single nucleotide variant.
Coding change: c.1365G>C on transcript NM_020944.3 (MANE Select); coding-DNA position 1365, G replaced by C.
Protein change: p.Trp455Cys; replaces tryptophan 455 with cysteine.
Molecular consequence: missense variant.
Genome position (GRCh38, 1-based): chr9:35,740,042, C>G on the plus strand (G>C on the coding strand, the complement: GBA2 is on the minus strand). VCF-style: chr9-35740042-C-G. GRCh37 (hg19) VCF-style: chr9-35740039-C-G.
Other names: c.1365G>C, p.Trp455Cys (NM_001330660.2); short protein forms W455C.
Identifiers: ClinVar variation 3605527 (VCV003605527.3).
Genomic context (GRCh38, chr9:35,740,042, plus strand): 5'-TGGGCCCCACTGGCACCTGTCATCCAATACCGGGCTCTGCCAAGCTGAGATCCTCTCTTC[C>G]CACTCTGCGTATCGGCACAGTGCATAGTGGCTGAGGGCAGGTGCTGCATCTCCATCCTGG-3'
Protein context (NP_065995.1, residues 445-465): SHYALCRYAE[Trp455Cys]EERISAWQSP